The following is an entry in ClinVar:

ClinVar aggregate classification (germline): Uncertain significance (1 of 4 stars; one submission).

Conditions:
Inborn genetic diseases. Identifiers: MedGen C0950123, MeSH D030342.

Submission:

Ambry Genetics
Classification: Uncertain significance for Inborn genetic diseases. Last evaluated: 2025-07-07. Review status: criteria provided, single submitter. Criteria: Ambry Variant Classification Scheme 2023. Collection method: clinical testing. Allele origin: germline.
Comment: The p.G806V variant (also known as c.2417G>T), located in coding exon 14 of the RECQL4 gene, results from a G to T substitution at nucleotide position 2417. The glycine at codon 806 is replaced by valine, an amino acid with dissimilar properties. This amino acid position is conserved. In addition, this alteration is predicted to be deleterious by in silico analysis. Based on the available evidence, the clinical significance of this variant remains unclear.

NM_004260.4(RECQL4):c.2417G>T (p.Gly806Val)

Gene: RECQL4 (RecQ like helicase 4; minus strand). Cytogenetic location: 8q24.3.
Variant type: single nucleotide variant.
Coding change: c.2417G>T on transcript NM_004260.4 (MANE Select); coding-DNA position 2417, G replaced by T.
Protein change: p.Gly806Val; replaces glycine 806 with valine.
Molecular consequence: missense variant. On other transcripts: non-coding transcript variant (3), intron variant (3).
Genome position (GRCh38, 1-based): chr8:144,513,264, C>A on the plus strand (G>T on the coding strand, the complement: RECQL4 is on the minus strand). VCF-style: chr8-144513264-C-A. GRCh37 (hg19) VCF-style: chr8-145738647-C-A.
Other names: c.2417G>T, p.Gly806Val (NM_001413019.1, NM_001413036.1); c.2321G>T, p.Gly774Val (NM_001413020.1); c.1346G>T, p.Gly449Val (NM_001413021.1, NM_001413022.1, NM_001413023.1 and 5 more transcripts); c.2288G>T, p.Gly763Val (NM_001413025.1); c.1280G>T, p.Gly427Val (NM_001413027.1, NM_001413030.1, NM_001413032.1 and 1 more transcripts); c.2066G>T, p.Gly689Val (NM_001413029.1); c.1148G>T, p.Gly383Val (NM_001413031.1); c.2285G>T, p.Gly762Val (NM_001413033.1); and 7 more; short protein forms G427V, G439V, G449V, G762V, G763V, G405V, G796V, G317V.
Identifiers: ClinVar variation 4152374 (VCV004152374.1).